The following is an entry in ClinVar:

NM_004035.7(ACOX1):c.1114G>T (p.Ala372Ser)

Gene: ACOX1 (acyl-CoA oxidase 1; minus strand). Cytogenetic location: 17q25.1.
Variant type: single nucleotide variant.
Coding change: c.1114G>T on transcript NM_004035.7 (MANE Select); coding-DNA position 1114, G replaced by T.
Protein change: p.Ala372Ser; replaces alanine 372 with serine.
Molecular consequence: missense variant.
Genome position (GRCh38, 1-based): chr17:75,950,958, C>A on the plus strand (G>T on the coding strand, the complement: ACOX1 is on the minus strand). VCF-style: chr17-75950958-C-A. GRCh37 (hg19) VCF-style: chr17-73947039-C-A.
Other names: c.1000G>T, p.Ala334Ser (NM_001185039.2); c.1114G>T, p.Ala372Ser (NM_007292.6); short protein forms A372S, A334S.
Identifiers: ClinVar variation 4739468 (VCV004739468.1).
Genomic context (GRCh38, chr17:75,950,958, plus strand): 5'-ATGCTTCAATGCCAGTGTTTGCAGTCCAGGAGGTGAAAGCCTTCAGTCCAGCGGTGAGGG[C>A]ATGAAGCTGAGAGGACAAGCACAGATCTGTCAGGACATCTGTGGTGCTGAGAGCCCGAGA-3'
Protein context (NP_004026.2, residues 362-382): GDLSELPELH[Ala372Ser]LTAGLKAFTS

ClinVar aggregate classification (germline): Uncertain significance (1 of 4 stars; one submission).

Conditions:
Acyl-CoA oxidase deficiency. Also called: Peroxisomal acyl-CoA oxidase deficiency; STRAIGHT-CHAIN ACYL-CoA OXIDASE DEFICIENCY; Pseudoneonatal adrenoleukodystrophy. Identifiers: Orphanet 2971, MedGen C1849678, MONDO:0009919, OMIM 264470. Disease mechanism: loss of function.

Submission:

Labcorp Genetics (formerly Invitae), Labcorp
Classification: Uncertain significance for Acyl-CoA oxidase deficiency. Last evaluated: 2025-07-22. Review status: criteria provided, single submitter. Criteria: Invitae Variant Classification Sherloc (09022015). Collection method: clinical testing. Allele origin: germline.
Comment: This sequence change replaces alanine, which is neutral and non-polar, with serine, which is neutral and polar, at codon 372 of the ACOX1 protein (p.Ala372Ser). This variant is not present in population databases (gnomAD no frequency). This variant has not been reported in the literature in individuals affected with ACOX1-related conditions. Invitae Evidence Modeling of protein sequence and biophysical properties (such as structural, functional, and spatial information, amino acid conservation, physicochemical variation, residue mobility, and thermodynamic stability) indicates that this missense variant is not expected to disrupt ACOX1 protein function with a negative predictive value of 80%. In summary, the available evidence is currently insufficient to determine the role of this variant in disease. Therefore, it has been classified as a Variant of Uncertain Significance.